The following is an entry in ClinVar:

NM_001379659.1(ZNF142):c.3402G>A (p.Glu1134=)

Gene: ZNF142 (zinc finger protein 142; minus strand). Cytogenetic location: 2q35.
Variant type: single nucleotide variant.
Coding change: c.3402G>A on transcript NM_001379659.1 (MANE Select); coding-DNA position 3402, G replaced by A.
Protein change: p.Glu1134=; no amino-acid change (glutamic acid 1134 retained).
Molecular consequence: synonymous variant.
Genome position (GRCh38, 1-based): chr2:218,643,714, C>T on the plus strand (G>A on the coding strand, the complement: ZNF142 is on the minus strand). VCF-style: chr2-218643714-C-T. GRCh37 (hg19) VCF-style: chr2-219508437-C-T.
Other names: c.2802G>A, p.Glu934= (NM_001105537.5, NM_001366291.3, NM_001379662.1); c.2313G>A, p.Glu771= (NM_001366287.3, NM_001366288.3, NM_001366289.3); c.3402G>A, p.Glu1134= (NM_001366290.3, NM_001379660.1, NM_001379661.1).
Identifiers: ClinVar variation 4535231 (VCV004535231.6).

ClinVar aggregate classification (germline): Likely benign (1 of 4 stars; one submission).

Submission:

CeGaT Center for Human Genetics Tuebingen
Classification: Likely benign. Last evaluated: 2025-11-01. Review status: criteria provided, single submitter. Criteria: CeGaT Center For Human Genetics Tuebingen Variant Classification Criteria Version 2. Collection method: clinical testing. Allele origin: germline. Affected: yes. Observed: 1 variant allele.
Comment: ZNF142: PM2:Supporting, BP4, BP7